The following is an entry in ClinVar:

ClinVar aggregate classification (germline): Uncertain significance (1 of 4 stars; one submission).

gnomAD v4.1: 4 of 1,614,042 alleles (0.00025%); highest among the groups gnomAD compares: African/African-American, 0.0053%; no homozygotes.

Submission:

Labcorp Genetics (formerly Invitae), Labcorp
Classification: Uncertain significance. Last evaluated: 2024-11-19. Review status: criteria provided, single submitter. Criteria: Invitae Variant Classification Sherloc (09022015). Collection method: clinical testing. Allele origin: germline.
Comment: This sequence change replaces serine, which is neutral and polar, with glycine, which is neutral and non-polar, at codon 247 of the NLRP1 protein (p.Ser247Gly). The frequency data for this variant in the population databases is considered unreliable, as metrics indicate poor data quality at this position in the gnomAD database. This variant has not been reported in the literature in individuals affected with NLRP1-related conditions. An algorithm developed to predict the effect of missense changes on protein structure and function (PolyPhen-2) suggests that this variant is likely to be tolerated. In summary, the available evidence is currently insufficient to determine the role of this variant in disease. Therefore, it has been classified as a Variant of Uncertain Significance.

NM_033004.4(NLRP1):c.739A>G (p.Ser247Gly)

Gene: NLRP1 (NLR family pyrin domain containing 1; minus strand). Cytogenetic location: 17p13.2.
Variant type: single nucleotide variant.
Coding change: c.739A>G on transcript NM_033004.4 (MANE Select); coding-DNA position 739, A replaced by G.
Protein change: p.Ser247Gly; replaces serine 247 with glycine.
Molecular consequence: missense variant.
Genome position (GRCh38, 1-based): chr17:5,559,957, T>C on the plus strand (A>G on the coding strand, the complement: NLRP1 is on the minus strand). VCF-style: chr17-5559957-T-C. GRCh37 (hg19) VCF-style: chr17-5463277-T-C.
Other names: c.739A>G, p.Ser247Gly (NM_001033053.3, NM_014922.5, NM_033006.4 and 1 more transcripts); short protein forms S247G.
Identifiers: ClinVar variation 3621354 (VCV003621354.2).